The following is an entry in ClinVar:

NM_194277.3(FRMD7):c.1361G>A (p.Gly454Asp)

Gene: FRMD7 (FERM domain containing 7; minus strand). Cytogenetic location: Xq26.2.
Variant type: single nucleotide variant.
Coding change: c.1361G>A on transcript NM_194277.3 (MANE Select); coding-DNA position 1361, G replaced by A.
Protein change: p.Gly454Asp; replaces glycine 454 with aspartic acid.
Molecular consequence: missense variant.
Genome position (GRCh38, 1-based): chrX:132,078,656, C>T on the plus strand (G>A on the coding strand, the complement: FRMD7 is on the minus strand). VCF-style: chrX-132078656-C-T. GRCh37 (hg19) VCF-style: chrX-131212684-C-T.
Other names: c.1316G>A, p.Gly439Asp (NM_001306193.2); short protein forms G454D, G439D.
Identifiers: ClinVar variation 2853786 (VCV002853786.3), dbSNP rs2520702105, ClinGen allele CA414679251.

ClinVar aggregate classification (germline): Uncertain significance (1 of 4 stars; one submission).

Allele frequency attached by ClinVar (database versions not stated): gnomAD exomes below 0.00001.
gnomAD v4.1: 1 of 1,211,555 alleles (0.000083%); highest among the groups gnomAD compares: Non-Finnish European, 0.00011%; no homozygotes.

Submission:

Labcorp Genetics (formerly Invitae), Labcorp
Classification: Uncertain significance. Last evaluated: 2023-04-17. Review status: criteria provided, single submitter. Criteria: Invitae Variant Classification Sherloc (09022015). Collection method: clinical testing. Allele origin: germline.
Comment: This variant is not present in population databases (gnomAD no frequency). This sequence change replaces glycine, which is neutral and non-polar, with aspartic acid, which is acidic and polar, at codon 454 of the FRMD7 protein (p.Gly454Asp). This variant has not been reported in the literature in individuals affected with FRMD7-related conditions. Algorithms developed to predict the effect of missense changes on protein structure and function output the following: SIFT: "Not Available"; PolyPhen-2: "Benign"; Align-GVGD: "Not Available". The aspartic acid amino acid residue is found in multiple mammalian species, which suggests that this missense change does not adversely affect protein function. In summary, the available evidence is currently insufficient to determine the role of this variant in disease. Therefore, it has been classified as a Variant of Uncertain Significance.